The following is an entry in ClinVar:

NM_002972.4(SBF1):c.4769C>T (p.Thr1590Met)

Gene: SBF1 (SET binding factor 1; minus strand). Cytogenetic location: 22q13.33.
Variant type: single nucleotide variant.
Coding change: c.4769C>T on transcript NM_002972.4 (MANE Select); coding-DNA position 4769, C replaced by T.
Protein change: p.Thr1590Met; replaces threonine 1590 with methionine.
Molecular consequence: missense variant.
Genome position (GRCh38, 1-based): chr22:50,454,857, G>A on the plus strand (C>T on the coding strand, the complement: SBF1 is on the minus strand). VCF-style: chr22-50454857-G-A. GRCh37 (hg19) VCF-style: chr22-50893286-G-A.
Other names: c.4694C>T, p.Thr1565Met (NM_001365819.1); c.4769C>T (NM_002972.2); short protein forms T1565M, T1590M.
Identifiers: ClinVar variation 1384076 (VCV001384076.5), dbSNP rs371896005, ClinGen allele CA325527999.

ClinVar aggregate classification (germline): Uncertain significance. Review status: criteria provided, multiple submitters, no conflicts (2 of 4 stars). 2 submissions from 2 submitters: Uncertain significance (2). Last evaluated 2024-12-06.

Allele frequency attached by ClinVar (database versions not stated): gnomAD exomes below 0.00001 and 0.00002; gnomAD 0.00002; TOPMed 0.00004; ESP Exome Variant Server 0.00008.
gnomAD v4.1: 29 of 1,613,902 alleles (0.0018%); highest among the groups gnomAD compares: East Asian, 0.0045%; no homozygotes.

Submissions (2):

Ambry Genetics
Classification: Uncertain significance. Last evaluated: 2024-12-06. Review status: criteria provided, single submitter. Criteria: Ambry Variant Classification Scheme 2023. Collection method: clinical testing. Allele origin: germline.

Labcorp Genetics (formerly Invitae), Labcorp
Classification: Uncertain significance. Last evaluated: 2021-07-26. Review status: criteria provided, single submitter. Criteria: Invitae Variant Classification Sherloc (09022015). Collection method: clinical testing. Allele origin: germline.
Comment: This sequence change replaces threonine with methionine at codon 1590 of the SBF1 protein (p.Thr1590Met). The threonine residue is moderately conserved and there is a moderate physicochemical difference between threonine and methionine. This variant is not present in population databases (ExAC no frequency). This variant has not been reported in the literature in individuals affected with SBF1-related conditions. Algorithms developed to predict the effect of missense changes on protein structure and function are either unavailable or do not agree on the potential impact of this missense change (SIFT: "Deleterious"; PolyPhen-2: "Possibly Damaging"; Align-GVGD: "Class C0"). This variant disrupts the p.Thr1590 amino acid residue in SBF1. Other variant(s) that disrupt this residue have been determined to be pathogenic (PMID: 23749797). This suggests that this residue is clinically significant, and that variants that disrupt this residue are likely to be disease-causing. In summary, the available evidence is currently insufficient to determine the role of this variant in disease. Therefore, it has been classified as a Variant of Uncertain Significance.

Literature cited by the submitters: PubMed 23749797 (cited by Labcorp Genetics (formerly Invitae), Labcorp).